The following is an entry in ClinVar:

NM_000051.4(ATM):c.6968G>A (p.Cys2323Tyr)

Genes: ATM (ATM serine/threonine kinase; plus strand), C11orf65 (chromosome 11 open reading frame 65; minus strand). Cytogenetic location: 11q22.3.
Variant type: single nucleotide variant.
Coding change: c.6968G>A on transcript NM_000051.4 (MANE Select); coding-DNA position 6968, G replaced by A.
Protein change: p.Cys2323Tyr; replaces cysteine 2323 with tyrosine.
Molecular consequence: missense variant. On other transcripts: intron variant (2).
Genome position (GRCh38, 1-based): chr11:108,326,218, G>A. VCF-style: chr11-108326218-G-A. GRCh37 (hg19) VCF-style: chr11-108196945-G-A.
Other names: c.6968G>A, p.Cys2323Tyr (NM_001351834.2); c.641-17147C>T (NM_001330368.2); c.*38+9002C>T (NM_001351110.2); short protein forms C2323Y.
Identifiers: ClinVar variation 629836 (VCV000629836.28), dbSNP rs876660924, ClinGen allele CA228413257.

ClinVar aggregate classification (germline): Conflicting classifications of pathogenicity. Review status: criteria provided, conflicting classifications (1 of 4 stars). 5 submissions from 5 submitters: Uncertain significance (3); Likely benign (1). 1 of the submissions does not count toward it. Last evaluated 2026-01-11.

Conditions:
Breast and/or ovarian cancer. Identifiers: MedGen CN221562.
Ataxia-telangiectasia syndrome (AT). Also called: Ataxia-telangiectasia, complementation group D; AT, COMPLEMENTATION GROUP C; ATAXIA-TELANGIECTASIA, COMPLEMENTATION GROUP A; ATAXIA-TELANGIECTASIA, FRESNO VARIANT; Ataxia-telangiectasia; LOUIS-BAR SYNDROME. Identifiers: Orphanet 100, MedGen C0004135, MONDO:0008840, OMIM 208900.
Hereditary cancer-predisposing syndrome. Also called: Tumor predisposition; Hereditary neoplastic syndrome; Neoplastic Syndromes, Hereditary; Hereditary Cancer Syndrome. Identifiers: Orphanet 140162, MedGen C0027672, MeSH D009386, MONDO:0015356.

Allele frequency attached by ClinVar (database versions not stated): gnomAD exomes below 0.00001.
gnomAD v4.1: 1 of 1,614,036 alleles (0.000062%); highest among the groups gnomAD compares: East Asian, 0.0022%; no homozygotes.

Submissions (5):

Labcorp Genetics (formerly Invitae), Labcorp
Classification: Uncertain significance for Ataxia-telangiectasia syndrome. Last evaluated: 2026-01-11. Review status: criteria provided, single submitter. Criteria: Invitae Variant Classification Sherloc (09022015). Collection method: clinical testing. Allele origin: germline.
Comment: This sequence change replaces cysteine, which is neutral and slightly polar, with tyrosine, which is neutral and polar, at codon 2323 of the ATM protein (p.Cys2323Tyr). This variant is present in population databases (no rsID available, gnomAD 0.006%). This missense change has been observed in individual(s) with breast cancer (PMID: 28580595). ClinVar contains an entry for this variant (Variation ID: 629836). Invitae Evidence Modeling of protein sequence and biophysical properties (such as structural, functional, and spatial information, amino acid conservation, physicochemical variation, residue mobility, and thermodynamic stability) indicates that this missense variant is not expected to disrupt ATM protein function with a negative predictive value of 95%. In summary, the available evidence is currently insufficient to determine the role of this variant in disease. Therefore, it has been classified as a Variant of Uncertain Significance.

Ambry Genetics
Classification: Likely benign for Hereditary cancer-predisposing syndrome. Last evaluated: 2025-03-28. Review status: criteria provided, single submitter. Criteria: Ambry Variant Classification Scheme 2023. Collection method: clinical testing. Allele origin: germline.

CHEO Genetics Diagnostic Laboratory, Children's Hospital of Eastern Ontario
Classification: Uncertain significance for Breast and/or ovarian cancer. Last evaluated: 2019-10-10. Review status: criteria provided, single submitter. Criteria: ACMG Guidelines, 2015. Collection method: clinical testing. Allele origin: germline.

Color Diagnostics, LLC DBA Color Health
Classification: Uncertain significance for Hereditary cancer-predisposing syndrome. Last evaluated: 2018-07-25. Review status: criteria provided, single submitter. Criteria: ACMG Guidelines, 2015. Collection method: clinical testing. Allele origin: germline.

Natera, Inc.
Classification: Uncertain significance for Ataxia-telangiectasia. Last evaluated: 2020-10-03. Review status: no assertion criteria provided. Collection method: clinical testing. Allele origin: germline. Not counted in ClinVar's aggregate classification.

Literature cited by the submitters: PubMed 28580595 (cited by Labcorp Genetics (formerly Invitae), Labcorp and Ambry Genetics).